The following is an entry in ClinVar:

NM_022455.5(NSD1):c.4043A>G (p.Glu1348Gly)

Gene: NSD1 (nuclear receptor binding SET domain protein 1; plus strand). Cytogenetic location: 5q35.3.
Variant type: single nucleotide variant.
Coding change: c.4043A>G on transcript NM_022455.5 (MANE Select); coding-DNA position 4043, A replaced by G.
Protein change: p.Glu1348Gly; replaces glutamic acid 1348 with glycine.
Molecular consequence: missense variant.
Genome position (GRCh38, 1-based): chr5:177,238,358, A>G. VCF-style: chr5-177238358-A-G. GRCh37 (hg19) VCF-style: chr5-176665359-A-G.
Other names: c.4043A>G, p.Glu1348Gly (NM_001409302.1, NM_001409303.1, NM_001409301.1); c.3623A>G, p.Glu1208Gly (NM_001409304.1); c.3290A>G, p.Glu1097Gly (NM_001409305.1); c.3170A>G, p.Glu1057Gly (NM_001409306.1, NM_001409307.1, NM_001409308.1 and 3 more transcripts); short protein forms E1348G, E1057G, E1097G, E1208G.
Identifiers: ClinVar variation 3690678 (VCV003690678.2).

ClinVar aggregate classification (germline): Uncertain significance (1 of 4 stars; one submission).

Submission:

Labcorp Genetics (formerly Invitae), Labcorp
Classification: Uncertain significance. Last evaluated: 2024-10-31. Review status: criteria provided, single submitter. Criteria: Invitae Variant Classification Sherloc (09022015). Collection method: clinical testing. Allele origin: germline.
Comment: This sequence change replaces glutamic acid, which is acidic and polar, with glycine, which is neutral and non-polar, at codon 1348 of the NSD1 protein (p.Glu1348Gly). This variant is not present in population databases (gnomAD no frequency). This variant has not been reported in the literature in individuals affected with NSD1-related conditions. Invitae Evidence Modeling of protein sequence and biophysical properties (such as structural, functional, and spatial information, amino acid conservation, physicochemical variation, residue mobility, and thermodynamic stability) has been performed for this missense variant. However, the output from this modeling did not meet the statistical confidence thresholds required to predict the impact of this variant on NSD1 protein function. In summary, the available evidence is currently insufficient to determine the role of this variant in disease. Therefore, it has been classified as a Variant of Uncertain Significance.